The following is an entry in ClinVar:

ClinVar aggregate classification (germline): Uncertain significance. Review status: criteria provided, multiple submitters, no conflicts (2 of 4 stars). 4 submissions from 4 submitters: Uncertain significance (3). 1 of the submissions does not count toward it. Last evaluated 2025-07-14.

Conditions:
SERAC1-related disorder. Also called: SERAC1-related condition; SERAC1-related disorders.
3-methylglutaconic aciduria with deafness, encephalopathy, and Leigh-like syndrome (MEGDEL). Also called: SERAC1 Deficiency; 3-METHYLGLUTACONIC ACIDURIA, TYPE VI; MEGDEL syndrome. Identifiers: Orphanet 352328, MedGen C4040739, MONDO:0013875, OMIM 614739.
Inborn genetic diseases. Identifiers: MedGen C0950123, MeSH D030342.

Allele frequency attached by ClinVar (database versions not stated): gnomAD 0.00024 and 0.00023; ESP Exome Variant Server 0.00015; ExAC 0.00026; gnomAD exomes 0.00018 and 0.00030; TOPMed 0.00018.
gnomAD v4.1: 458 of 1,612,722 alleles (0.028%); highest among the groups gnomAD compares: Non-Finnish European, 0.037%; 1 homozygote.

Submissions (4):

GeneDx
Classification: Uncertain significance. Last evaluated: 2025-07-14. Review status: criteria provided, single submitter. Criteria: GeneDx Variant Classification Process June 2021. Collection method: clinical testing. Allele origin: germline.
Comment: In silico analysis supports that this missense variant has a deleterious effect on protein structure/function; Has not been previously published as pathogenic or benign to our knowledge

Labcorp Genetics (formerly Invitae), Labcorp
Classification: Uncertain significance for 3-methylglutaconic aciduria with deafness, encephalopathy, and Leigh-like syndrome. Last evaluated: 2023-03-01. Review status: criteria provided, single submitter. Criteria: Invitae Variant Classification Sherloc (09022015). Collection method: clinical testing. Allele origin: germline.
Comment: This sequence change replaces serine, which is neutral and polar, with cysteine, which is neutral and slightly polar, at codon 563 of the SERAC1 protein (p.Ser563Cys). This variant is present in population databases (rs146410859, gnomAD 0.04%). This variant has not been reported in the literature in individuals affected with SERAC1-related conditions. ClinVar contains an entry for this variant (Variation ID: 966020). Advanced modeling of protein sequence and biophysical properties (such as structural, functional, and spatial information, amino acid conservation, physicochemical variation, residue mobility, and thermodynamic stability) performed at Invitae indicates that this missense variant is not expected to disrupt SERAC1 protein function. In summary, the available evidence is currently insufficient to determine the role of this variant in disease. Therefore, it has been classified as a Variant of Uncertain Significance.

Ambry Genetics
Classification: Uncertain significance for Inborn genetic diseases. Last evaluated: 2022-10-12. Review status: criteria provided, single submitter. Criteria: Ambry Variant Classification Scheme 2023. Collection method: clinical testing. Allele origin: germline.

PreventionGenetics, part of Exact Sciences
Classification: Uncertain significance for SERAC1-related condition. Last evaluated: 2024-09-05. Review status: no assertion criteria provided. Collection method: clinical testing. Allele origin: germline. Not counted in ClinVar's aggregate classification.
Comment: The SERAC1 c.1688C>G variant is predicted to result in the amino acid substitution p.Ser563Cys. To our knowledge, this variant has not been reported in the literature. This variant is reported in 0.038% of alleles in individuals of European (Non-Finnish) descent in gnomAD. At this time, the clinical significance of this variant is uncertain due to the absence of conclusive functional and genetic evidence.

NM_032861.4(SERAC1):c.1688C>G (p.Ser563Cys)

Gene: SERAC1 (serine active site containing 1; minus strand). Cytogenetic location: 6q25.3.
Variant type: single nucleotide variant.
Coding change: c.1688C>G on transcript NM_032861.4 (MANE Select); coding-DNA position 1688, C replaced by G.
Protein change: p.Ser563Cys; replaces serine 563 with cysteine.
Molecular consequence: missense variant.
Genome position (GRCh38, 1-based): chr6:158,113,589, G>C on the plus strand (C>G on the coding strand, the complement: SERAC1 is on the minus strand). VCF-style: chr6-158113589-G-C. GRCh37 (hg19) VCF-style: chr6-158534621-G-C.
Other names: short protein forms S563C.
Identifiers: ClinVar variation 966020 (VCV000966020.9), dbSNP rs146410859, ClinGen allele CA4070951.